The following is an entry in ClinVar:

NM_005592.4(MUSK):c.348A>C (p.Gln116His)

Gene: MUSK (muscle associated receptor tyrosine kinase; plus strand). Cytogenetic location: 9q31.3.
Variant type: single nucleotide variant.
Coding change: c.348A>C on transcript NM_005592.4 (MANE Select); coding-DNA position 348, A replaced by C.
Protein change: p.Gln116His; replaces glutamine 116 with histidine.
Molecular consequence: missense variant.
Genome position (GRCh38, 1-based): chr9:110,687,258, A>C. VCF-style: chr9-110687258-A-C. GRCh37 (hg19) VCF-style: chr9-113449538-A-C.
Other names: c.348A>C, p.Gln116His (NM_001166280.2, NM_001166281.2); short protein forms Q116H.
Identifiers: ClinVar variation 1518428 (VCV001518428.8), dbSNP rs2131670048, ClinGen allele CA374664648.

ClinVar aggregate classification (germline): Uncertain significance (1 of 4 stars; one submission).

Conditions:
Congenital myasthenic syndrome 9. Also called: Myasthenic syndrome, congenital, 9, associated with acetylcholine receptor deficiency. Identifiers: Orphanet 590, MedGen C4225368, MONDO:0014587, OMIM 616325.
Fetal akinesia deformation sequence 1 (FADS1). Also called: Fetal akinesia sequence; Pena-Shokeir syndrome type I. Identifiers: Orphanet 994, MedGen C1276035, MONDO:0100101, OMIM 208150, HP:0001989.

Submission:

Labcorp Genetics (formerly Invitae), Labcorp
Classification: Uncertain significance for Congenital myasthenic syndrome 9; Fetal akinesia deformation sequence 1. Last evaluated: 2021-03-23. Review status: criteria provided, single submitter. Criteria: Invitae Variant Classification Sherloc (09022015). Collection method: clinical testing. Allele origin: germline.
Comment: This variant has not been reported in the literature in individuals with MUSK-related conditions. In summary, the available evidence is currently insufficient to determine the role of this variant in disease. Therefore, it has been classified as a Variant of Uncertain Significance. Algorithms developed to predict the effect of missense changes on protein structure and function are either unavailable or do not agree on the potential impact of this missense change (SIFT: "Deleterious"; PolyPhen-2: "Probably Damaging"; Align-GVGD: "Class C0"). This variant is not present in population databases (ExAC no frequency). This sequence change replaces glutamine with histidine at codon 116 of the MUSK protein (p.Gln116His). The glutamine residue is highly conserved and there is a small physicochemical difference between glutamine and histidine.